The following is an entry in ClinVar:

ClinVar aggregate classification (germline): Pathogenic (1 of 4 stars; one submission).

Conditions:
Deficiency of aromatic-L-amino-acid decarboxylase. Also called: Aromatic amino acid decarboxylase deficiency; Aromatic L-Amino Acid Decarboxylase Deficiency; AADC DEFICIENCY; DDC DEFICIENCY; DOPA DECARBOXYLASE DEFICIENCY. Identifiers: Orphanet 35708, MedGen C1291564, MONDO:0012084, OMIM 608643.

gnomAD v4.1: 1 of 1,613,974 alleles (0.000062%); highest among the groups gnomAD compares: Non-Finnish European, 0.000085%; no homozygotes.

Submission:

Labcorp Genetics (formerly Invitae), Labcorp
Classification: Pathogenic for Deficiency of aromatic-L-amino-acid decarboxylase. Last evaluated: 2025-03-03. Review status: criteria provided, single submitter. Criteria: Invitae Variant Classification Sherloc (09022015). Collection method: clinical testing. Allele origin: germline.
Comment: This sequence change creates a premature translational stop signal (p.Gln176*) in the DDC gene. It is expected to result in an absent or disrupted protein product. Loss-of-function variants in DDC are known to be pathogenic (PMID: 15079002, 24788355). This variant is not present in population databases (gnomAD no frequency). This variant has not been reported in the literature in individuals affected with DDC-related conditions. ClinVar contains an entry for this variant (Variation ID: 1385192). For these reasons, this variant has been classified as Pathogenic.

Literature cited by the submitters: PubMed 15079002; PubMed 24788355.

NM_001082971.2(DDC):c.526C>T (p.Gln176Ter)

Gene: DDC (dopa decarboxylase; minus strand). Cytogenetic location: 7p12.1.
Variant type: single nucleotide variant.
Coding change: c.526C>T on transcript NM_001082971.2 (MANE Select); coding-DNA position 526, C replaced by T.
Protein change: p.Gln176Ter; replaces glutamine 176 with a stop codon.
Molecular consequence: nonsense. On other transcripts: intron variant (1).
Genome position (GRCh38, 1-based): chr7:50,529,252, G>A on the plus strand (C>T on the coding strand, the complement: DDC is on the minus strand). VCF-style: chr7-50529252-G-A. GRCh37 (hg19) VCF-style: chr7-50596950-G-A.
Other names: c.526C>T, p.Gln176Ter (NM_000790.4, NM_001242887.2, NM_001242890.2); c.412C>T, p.Gln138Ter (NM_001242886.2); c.292C>T, p.Gln98Ter (NM_001242888.2); c.435+8608C>T (NM_001242889.2); short protein forms Q138*, Q176*, Q98*.
Identifiers: ClinVar variation 1385192 (VCV001385192.6), dbSNP rs773004040, ClinGen allele CA367526693.
Genomic context (GRCh38, chr7:50,529,252, plus strand): 5'-CCCACAACACACTCACCTGATCGGATGAGTAAGCCACCAGCTTCTCCATGATAGCGGCCT[G>A]TGTGAGCTCTGGGGACGCTGCCTGCAGCCGATGGATCACTTTGGTCCGAGCGGCCAGCAG-3'